The following is an entry in ClinVar:

NM_000256.3(MYBPC3):c.1467C>T (p.Asp489=)

Gene: MYBPC3 (myosin binding protein C3; minus strand). Cytogenetic location: 11p11.2.
Variant type: single nucleotide variant.
Coding change: c.1467C>T on transcript NM_000256.3 (MANE Select); coding-DNA position 1467, C replaced by T.
Protein change: p.Asp489=; no amino-acid change (aspartic acid 489 retained).
Molecular consequence: synonymous variant.
Genome position (GRCh38, 1-based): chr11:47,342,735, G>A on the plus strand (C>T on the coding strand, the complement: MYBPC3 is on the minus strand). VCF-style: chr11-47342735-G-A. GRCh37 (hg19) VCF-style: chr11-47364286-G-A.
Identifiers: ClinVar variation 42535 (VCV000042535.35), dbSNP rs35690719, ClinGen allele CA010416.

ClinVar aggregate classification (germline): Benign/Likely benign. Review status: criteria provided, multiple submitters, no conflicts (2 of 4 stars). 12 submissions from 12 submitters: Benign (4); Likely benign (5). 3 of the submissions do not count toward it. Last evaluated 2026-06-28.

Conditions:
MYBPC3-related disorder. Also called: MYBPC3-related condition; MYBPC3-related disease; MYBPC3-related disorders.
Cardiovascular phenotype. Identifiers: MedGen CN230736.
Cardiomyopathy (CMYO). Also called: Cardiomyopathies. Identifiers: Orphanet 167848, MedGen C0878544, MONDO:0004994, HP:0001638. Inheritance: Various modes of inheritance.
Hypertrophic cardiomyopathy 4. Also called: Familial hypertrophic cardiomyopathy 4. Identifiers: MedGen C1861862, MONDO:0007268, OMIM 115197.
Hypertrophic cardiomyopathy. Also called: HYPERTROPHIC MYOCARDIOPATHY. Identifiers: Orphanet 217569, MedGen C0007194, MeSH D002312, MONDO:0005045, HP:0001639.

Allele frequency attached by ClinVar (database versions not stated): gnomAD 0.00011 and 0.00013; ESP Exome Variant Server 0.00016; TOPMed 0.00017; gnomAD exomes 0.00021; ExAC 0.00029; 1000 Genomes Project 0.00040; 1000 Genomes Project 30x 0.00047.
gnomAD v4.1: 247 of 1,613,928 alleles (0.015%); highest among the groups gnomAD compares: East Asian, 0.21%; 1 homozygote.

Submissions (12):

Women's Health and Genetics/Laboratory Corporation of America, LabCorp
Classification: Likely benign. Last evaluated: 2026-06-28. Review status: criteria provided, single submitter. Criteria: LabCorp Variant Classification Summary - May 2015. Collection method: clinical testing. Allele origin: germline.

Labcorp Genetics (formerly Invitae), Labcorp
Classification: Benign for Hypertrophic cardiomyopathy. Last evaluated: 2026-01-28. Review status: criteria provided, single submitter. Criteria: Invitae Variant Classification Sherloc (09022015). Collection method: clinical testing. Allele origin: germline.

Blueprint Genetics
Classification: Likely benign. Last evaluated: 2024-07-30. Review status: criteria provided, single submitter. Criteria: ACMG Guidelines, 2015. Collection method: clinical testing. Allele origin: germline.

All of Us Research Program, National Institutes of Health
Classification: Benign for Hypertrophic cardiomyopathy. Last evaluated: 2024-02-05. Review status: criteria provided, single submitter. Criteria: ACMG Guidelines, 2015. Collection method: clinical testing. Allele origin: germline. Inheritance: Autosomal dominant inheritance. Observed: 44 variant alleles, 44 heterozygotes.
Comment: This study involves interpretation of variants in research participants for the purpose of population health screening. Participant phenotype was not available at the time of variant classification. Additional details can be found in publication PMID: 35346344, PMCID: PMC8962531

GeneDx
Classification: Likely benign. Last evaluated: 2020-12-11. Review status: criteria provided, single submitter. Criteria: GeneDx Variant Classification Process June 2021. Collection method: clinical testing. Allele origin: germline. Affected: yes.

Color Diagnostics, LLC DBA Color Health
Classification: Benign for Cardiomyopathy. Last evaluated: 2018-08-05. Review status: criteria provided, single submitter. Criteria: ACMG Guidelines, 2015. Collection method: clinical testing. Allele origin: germline.

Ambry Genetics
Classification: Likely benign for Cardiovascular phenotype. Last evaluated: 2018-04-23. Review status: criteria provided, single submitter. Criteria: Ambry Variant Classification Scheme 2023. Collection method: clinical testing. Allele origin: germline.

Clinical Genetics DNA and cytogenetics Diagnostics Lab, Erasmus MC, Erasmus Medical Center
Classification: Benign for Hypertrophic cardiomyopathy 4. Last evaluated: 2015-09-21. Review status: criteria provided, single submitter. Criteria: ACGS Guidelines, 2013. Collection method: clinical testing. Allele origin: germline. Affected: yes. Study: VKGL Data-share Consensus.

Laboratory for Molecular Medicine, Mass General Brigham Personalized Medicine
Classification: Likely benign. Last evaluated: 2015-03-27. Review status: criteria provided, single submitter. Criteria: LMM Criteria. Collection method: clinical testing. Allele origin: germline. Observed: 3 variant alleles.
Comment: p.Asp489Asp in exon 17 of MYBPC3: This variant is not expected to have clinical significance because it does not alter an amino acid residue and is not located within the splice consensus sequence. It has been identified in 0.3% (29/8624) o f East Asian chromosomes by the Exome Aggregation Consortium (ExAC.; dbSNP rs35690719).

PreventionGenetics, part of Exact Sciences
Classification: Likely benign for MYBPC3-related condition. Last evaluated: 2019-07-30. Review status: no assertion criteria provided. Collection method: clinical testing. Allele origin: germline. Not counted in ClinVar's aggregate classification.
Comment: This variant is classified as likely benign based on ACMG/AMP sequence variant interpretation guidelines (Richards et al. 2015 PMID: 25741868, with internal and published modifications).

Diagnostic Laboratory, Department of Genetics, University Medical Center Groningen
Classification: Likely benign for Hypertrophic cardiomyopathy 4. Review status: no assertion criteria provided. Collection method: clinical testing. Allele origin: germline. Affected: yes. Study: VKGL Data-share Consensus. Not counted in ClinVar's aggregate classification.

Genome Diagnostics Laboratory, University Medical Center Utrecht
Classification: Likely benign. Review status: no assertion criteria provided. Collection method: clinical testing. Allele origin: germline. Affected: yes. Study: VKGL Data-share Consensus. Not counted in ClinVar's aggregate classification.